The following is an entry in ClinVar:

NM_000350.3(ABCA4):c.3547G>T (p.Gly1183Cys)

Gene: ABCA4 (ATP binding cassette subfamily A member 4; minus strand). Cytogenetic location: 1p22.1.
Variant type: single nucleotide variant.
Coding change: c.3547G>T on transcript NM_000350.3 (MANE Select); coding-DNA position 3547, G replaced by T.
Protein change: p.Gly1183Cys; replaces glycine 1183 with cysteine.
Molecular consequence: missense variant.
Genome position (GRCh38, 1-based): chr1:94,040,103, C>A on the plus strand (G>T on the coding strand, the complement: ABCA4 is on the minus strand). VCF-style: chr1-94040103-C-A. GRCh37 (hg19) VCF-style: chr1-94505659-C-A.
Other names: c.3325G>T, p.Gly1109Cys (NM_001425324.1); short protein forms G1183C, G1109C.
Identifiers: ClinVar variation 298250 (VCV000298250.23), dbSNP rs75267647, ClinGen allele CA957897.

ClinVar aggregate classification (germline): Benign/Likely benign. Review status: criteria provided, multiple submitters, no conflicts (2 of 4 stars). 6 submissions from 6 submitters: Benign (2); Likely benign (3). 1 of the submissions does not count toward it. Last evaluated 2026-06-01.

Conditions:
ABCA4-related disorder. Also called: ABCA4-related condition; ABCA4-related disorders. Identifiers: MedGen CN239167.
Retinal dystrophy. Also called: Inherited retinal dystrophy. Identifiers: Orphanet 71862, MedGen C0854723, MeSH D058499, MONDO:0019118, HP:0000556.

Allele frequency attached by ClinVar (database versions not stated): gnomAD 0.00066 and 0.00077; TOPMed 0.00087; 1000 Genomes Project 0.00339; 1000 Genomes Project 30x 0.00359.
gnomAD v4.1: 628 of 1,609,894 alleles (0.039%); highest among the groups gnomAD compares: East Asian, 1%; 9 homozygotes.

Submissions (6):

CeGaT Center for Human Genetics Tuebingen
Classification: Likely benign. Last evaluated: 2026-06-01. Review status: criteria provided, single submitter. Criteria: CeGaT Center For Human Genetics Tuebingen Variant Classification Criteria Version 2. Collection method: clinical testing. Allele origin: germline. Affected: yes. Observed: 1 variant allele.
Comment: ABCA4: BP4, BS1

Labcorp Genetics (formerly Invitae), Labcorp
Classification: Benign. Last evaluated: 2026-01-12. Review status: criteria provided, single submitter. Criteria: Invitae Variant Classification Sherloc (09022015). Collection method: clinical testing. Allele origin: germline.

Blueprint Genetics
Classification: Likely benign. Last evaluated: 2024-11-06. Review status: criteria provided, single submitter. Criteria: ACMG Guidelines, 2015. Collection method: clinical testing. Allele origin: germline.

Dept Of Ophthalmology, Nagoya University
Classification: Benign for Retinal dystrophy. Last evaluated: 2023-10-01. Review status: criteria provided, single submitter. Criteria: Submitter's publication. Collection method: research. Allele origin: germline. Affected: yes.

Illumina Laboratory Services, Illumina
Classification: Likely benign for ABCA4-Related Disorders. Last evaluated: 2017-04-27. Review status: criteria provided, single submitter. Criteria: ICSL Variant Classification Criteria 13 December 2019. Collection method: clinical testing. Allele origin: germline.
Comment: This variant was observed as part of a predisposition screen in an ostensibly healthy population. A literature search was performed for the gene, cDNA change, and amino acid change (where applicable). No publications were found based on this search. Allele frequency data from public databases allowed determination this variant is unlikely to cause disease. Therefore, this variant is classified as likely benign.

PreventionGenetics, part of Exact Sciences
Classification: Benign for ABCA4-related condition. Last evaluated: 2019-08-09. Review status: no assertion criteria provided. Collection method: clinical testing. Allele origin: germline. Not counted in ClinVar's aggregate classification.
Comment: This variant is classified as benign based on ACMG/AMP sequence variant interpretation guidelines (Richards et al. 2015 PMID: 25741868, with internal and published modifications).